The following is an entry in ClinVar:

NM_006311.4(NCOR1):c.3338G>A (p.Arg1113Gln)

Gene: NCOR1 (nuclear receptor corepressor 1; minus strand). Cytogenetic location: 17p12.
Variant type: single nucleotide variant.
Coding change: c.3338G>A on transcript NM_006311.4 (MANE Select); coding-DNA position 3338, G replaced by A.
Protein change: p.Arg1113Gln; replaces arginine 1113 with glutamine.
Molecular consequence: missense variant.
Genome position (GRCh38, 1-based): chr17:16,080,470, C>T on the plus strand (G>A on the coding strand, the complement: NCOR1 is on the minus strand). VCF-style: chr17-16080470-C-T. GRCh37 (hg19) VCF-style: chr17-15983784-C-T.
Other names: c.3386G>A, p.Arg1129Gln (NM_001190440.2); short protein forms R1113Q, R1129Q.
Identifiers: ClinVar variation 3035132 (VCV003035132.2), dbSNP rs150513105, ClinGen allele CA8408768.

ClinVar aggregate classification (germline): Benign (0 of 4 stars; one submission).

Conditions:
NCOR1-related disorder. Also called: NCOR1-related condition.

Allele frequency attached by ClinVar (database versions not stated): gnomAD 0.00041; TOPMed 0.00044; ExAC 0.00088; 1000 Genomes Project 30x 0.00187; 1000 Genomes Project 0.00240.
gnomAD v4.1: 526 of 1,614,038 alleles (0.033%); highest among the groups gnomAD compares: East Asian, 0.92%; 4 homozygotes.

Submission:

PreventionGenetics, part of Exact Sciences
Classification: Benign for NCOR1-related condition. Last evaluated: 2019-11-26. Review status: no assertion criteria provided. Collection method: clinical testing. Allele origin: germline.
Comment: This variant is classified as benign based on ACMG/AMP sequence variant interpretation guidelines (Richards et al. 2015 PMID: 25741868, with internal and published modifications).